The following is an entry in ClinVar:

ClinVar aggregate classification (germline): Uncertain significance. Review status: criteria provided, multiple submitters, no conflicts (2 of 4 stars). 2 submissions from 2 submitters: Uncertain significance (2). Last evaluated 2025-09-15.

gnomAD v4.1: 8 of 1,612,012 alleles (0.0005%); highest among the groups gnomAD compares: African/African-American, 0.0027%; no homozygotes.

Submissions (2):

Labcorp Genetics (formerly Invitae), Labcorp
Classification: Uncertain significance. Last evaluated: 2025-09-15. Review status: criteria provided, single submitter. Criteria: Invitae Variant Classification Sherloc (09022015). Collection method: clinical testing. Allele origin: germline.
Comment: This sequence change replaces alanine, which is neutral and non-polar, with threonine, which is neutral and polar, at codon 176 of the DIABLO protein (p.Ala176Thr). The frequency data for this variant in the population databases is considered unreliable, as metrics indicate poor data quality at this position in the gnomAD database. This variant has not been reported in the literature in individuals affected with DIABLO-related conditions. ClinVar contains an entry for this variant (Variation ID: 3715746). An algorithm developed to predict the effect of missense changes on protein structure and function (PolyPhen-2) suggests that this variant is likely to be disruptive. In summary, the available evidence is currently insufficient to determine the role of this variant in disease. Therefore, it has been classified as a Variant of Uncertain Significance.

Blueprint Genetics
Classification: Uncertain significance. Last evaluated: 2023-07-06. Review status: criteria provided, single submitter. Criteria: ACMG Guidelines, 2015. Collection method: clinical testing. Allele origin: germline.

NM_001371333.1(DIABLO):c.526G>A (p.Ala176Thr)

Genes: B3GNT4 (UDP-GlcNAc:betaGal beta-1,3-N-acetylglucosaminyltransferase 4; plus strand), DIABLO (diablo IAP-binding mitochondrial protein; minus strand). Cytogenetic location: 12q24.31.
Variant type: single nucleotide variant.
Coding change: c.526G>A on transcript NM_001371333.1 (MANE Select); coding-DNA position 526, G replaced by A.
Protein change: p.Ala176Thr; replaces alanine 176 with threonine.
Molecular consequence: missense variant. On other transcripts: 3 prime UTR variant (2).
Genome position (GRCh38, 1-based): chr12:122,208,575, C>T on the plus strand (G>A on the coding strand, the complement: DIABLO is on the minus strand). VCF-style: chr12-122208575-C-T. GRCh37 (hg19) VCF-style: chr12-122693122-C-T.
Other names: c.235G>A, p.Ala79Thr (NM_001278302.1); c.307G>A, p.Ala103Thr (NM_001278303.1); c.367G>A, p.Ala123Thr (NM_001278304.2, NM_138930.3); c.394G>A, p.Ala132Thr (NM_001278342.1); c.526G>A, p.Ala176Thr (NM_019887.6); c.*1187C>T (NM_001330492.2, NM_030765.4); short protein forms A123T, A132T, A79T, A103T, A176T.
Identifiers: ClinVar variation 3715746 (VCV003715746.3).